The following is an entry in ClinVar:

ClinVar aggregate classification (germline): Pathogenic (1 of 4 stars; one submission).

Conditions:
Glutaric aciduria, type 1. Also called: GA I; Glutaryl-CoA dehydrogenase deficiency; Glutaric acidemia type I; Glutaricacidemia Type 1; Glutaricaciduria, type I; Glutaric Acidemia Type 1. Identifiers: Orphanet 25, MedGen C0268595, MONDO:0009281, OMIM 231670.

Submission:

Myriad Genetics, Inc.
Classification: Pathogenic for Glutaric aciduria, type 1. Last evaluated: 2025-12-10. Review status: criteria provided, single submitter. Criteria: Myriad Autosomal Dominant, Autosomal Recessive and X-Linked Classification Criteria (2023). Collection method: clinical testing. Allele origin: unknown.
Comment: NM_000159.2(GCDH):c.539_540delCA(T180Rfs*7) is expected to be pathogenic in the context of glutaric acidemia, GCDH-related. This variant is predicted to lead to an abnormal or absent protein product due to the creation of a premature termination codon in GCDH, a gene where loss-of-function variants are known to be pathogenic. Please note: this variant was assessed in the context of healthy population screening.

NM_000159.4(GCDH):c.539_540del (p.Thr180fs)

Gene: GCDH (glutaryl-CoA dehydrogenase; plus strand). Cytogenetic location: 19p13.13.
Variant type: Microsatellite.
Coding change: c.539_540del on transcript NM_000159.4 (MANE Select); coding-DNA positions 539 to 540, 2 bases deleted (CA; older notation c.539_540delCA).
Protein change: p.Thr180fs; shifts the reading frame from threonine 180.
Molecular consequence: frameshift variant. On other transcripts: non-coding transcript variant (2).
Genome position (GRCh38, 1-based): chr19:12,896,025-12,896,026, CA deleted; deleting any 2 consecutive bases within chr19:12,896,023-12,896,026 gives the same sequence; the c. name uses the placement nearest the transcript's 3' end. VCF-style (leftmost placement, unchanged base first): chr19-12896022-TCA-T. GRCh37 (hg19) VCF-style: chr19-13006836-TCA-T.
Other names: c.539_540del, p.Thr180fs (NM_013976.5); short protein forms T180fs.
Identifiers: ClinVar variation 5015301 (VCV005015301.1).